The following is an entry in ClinVar:

NM_020708.5(SLC12A5):c.887G>A (p.Arg296His)

Gene: SLC12A5 (solute carrier family 12 member 5; plus strand). Cytogenetic location: 20q13.12.
Variant type: single nucleotide variant.
Coding change: c.887G>A on transcript NM_020708.5 (MANE Select); coding-DNA position 887, G replaced by A.
Protein change: p.Arg296His; replaces arginine 296 with histidine.
Molecular consequence: missense variant.
Genome position (GRCh38, 1-based): chr20:46,041,361, G>A. VCF-style: chr20-46041361-G-A. GRCh37 (hg19) VCF-style: chr20-44670000-G-A.
Other names: p.Arg296His; c.956G>A, p.Arg319His (NM_001134771.2); c.956G>A (NM_001134771.1); short protein forms R296H, R319H.
Identifiers: ClinVar variation 640112 (VCV000640112.33), dbSNP rs114371269, ClinGen allele CA9887177.
Genomic context (GRCh38, chr20:46,041,361, plus strand): 5'-CACCTTCCTCCCTTGTTTCTCTCCCTAGGATCTGCCTCCTGGGTAACCGCACGCTGTCTC[G>A]CCATGGCTTTGATGTCTGTGCCAAGCTGGCTTGGGAAGGAAATGAGACGGTGACCACACG-3'
Protein context (NP_065759.1, residues 286-306): ICLLGNRTLS[Arg296His]HGFDVCAKLA

ClinVar aggregate classification (germline): Conflicting classifications of pathogenicity. Review status: criteria provided, conflicting classifications (1 of 4 stars). 8 submissions from 8 submitters: Uncertain significance (7); Likely benign (1). Last evaluated 2025-12-11.

Conditions:
Developmental and epileptic encephalopathy, 34 (DEE34). Also called: Early infantile epileptic encephalopathy 34; SLC12A5-Related Epilepsy of Infancy with Migrating Focal Seizures. Identifiers: Orphanet 293181, MedGen C4225257, MONDO:0014718, OMIM 616645.

Allele frequency attached by ClinVar (database versions not stated): gnomAD exomes 0.00010 and 0.00003; ExAC 0.00012; ESP Exome Variant Server 0.00031; gnomAD 0.00038 and 0.00044; TOPMed 0.00049; 1000 Genomes Project 0.00060; 1000 Genomes Project 30x 0.00062.
gnomAD v4.1: 118 of 1,614,078 alleles (0.0073%); highest among the groups gnomAD compares: African/African-American, 0.11%; no homozygotes.

Submissions (8):

Labcorp Genetics (formerly Invitae), Labcorp
Classification: Likely benign for Developmental and epileptic encephalopathy, 34. Last evaluated: 2025-12-11. Review status: criteria provided, single submitter. Criteria: Invitae Variant Classification Sherloc (09022015). Collection method: clinical testing. Allele origin: germline.

Dasa
Classification: Uncertain significance. Last evaluated: 2025-11-27. Review status: criteria provided, single submitter. Criteria: DASA Assertion Criteria. Collection method: clinical testing. Allele origin: germline.
Comment: NM_020708.5(SLC12A5):c.887G>A (p.Arg296His) is a missense variant that results in the substitution of arginine with histidine. This variant is rare in population databases. Computational prediction algorithms are consistent with a benign effect. The currently available literature and clinical evidence are not sufficient to establish a definitive association between this variant and the reported condition. Therefore, this variant is classified as a variant of uncertain significance.

Ambry Genetics
Classification: Uncertain significance. Last evaluated: 2025-08-14. Review status: criteria provided, single submitter. Criteria: Ambry Variant Classification Scheme 2023. Collection method: clinical testing. Allele origin: germline.

CeGaT Center for Human Genetics Tuebingen
Classification: Uncertain significance. Last evaluated: 2024-10-01. Review status: criteria provided, single submitter. Criteria: CeGaT Center For Human Genetics Tuebingen Variant Classification Criteria Version 2. Collection method: clinical testing. Allele origin: germline. Affected: yes. Observed: 1 variant allele.
Comment: SLC12A5: PM2, BP4

Mayo Clinic Laboratories, Mayo Clinic
Classification: Uncertain significance. Last evaluated: 2023-03-27. Review status: criteria provided, single submitter. Criteria: ACMG Guidelines, 2015. Collection method: clinical testing. Allele origin: germline. Observed: 1 variant allele.
Comment: BP4, PP2

Blueprint Genetics
Classification: Uncertain significance. Last evaluated: 2022-01-20. Review status: criteria provided, single submitter. Criteria: ACMG Guidelines, 2015. Collection method: clinical testing. Allele origin: germline.

New York Genome Center
Classification: Uncertain significance for Developmental and epileptic encephalopathy, 34. Last evaluated: 2020-07-24. Review status: criteria provided, single submitter. Criteria: NYGC Assertion Criteria 2020. Collection method: clinical testing. Allele origin: germline. Observed: 1 heterozygote. Study: CSER-NYCKidSeq.

Baylor Genetics
Classification: Uncertain significance for Developmental and epileptic encephalopathy, 34. Last evaluated: 2019-07-27. Review status: criteria provided, single submitter. Criteria: ACMG Guidelines, 2015. Collection method: clinical testing. Allele origin: unknown. Affected: yes.
Comment: This variant was determined to be of uncertain significance according to ACMG Guidelines, 2015 [PMID:25741868].